The following is an entry in ClinVar:

ClinVar aggregate classification (germline): Conflicting classifications of pathogenicity. Review status: criteria provided, conflicting classifications (1 of 4 stars). 16 submissions from 16 submitters: Uncertain significance (3); Benign (4); Likely benign (8). 1 of the submissions does not count toward it. Last evaluated 2026-01-31.

Conditions:
SDHC-related disorder. Also called: SDHC-related condition.
Hereditary cancer-predisposing syndrome. Also called: Tumor predisposition; Neoplastic Syndromes, Hereditary; Hereditary Cancer Syndrome; Hereditary neoplastic syndrome. Identifiers: Orphanet 140162, MedGen C0027672, MeSH D009386, MONDO:0015356.
Pheochromocytoma/paraganglioma syndrome 3. Also called: SDHC-Related Hereditary Paraganglioma-Pheochromocytoma Syndrome (Paragangliomas 3); GLOMUS TUMORS, FAMILIAL, 3; SDHC-Related Hereditary Paraganglioma-Pheochromocytoma Syndrome; Paragangliomas 3. Identifiers: Orphanet 29072, MedGen C1854336, MONDO:0011544, OMIM 605373.
Gastrointestinal stromal tumor. Also called: Gastrointestinal stroma tumor; Gastrointestinal stromal tumor, somatic. Identifiers: Orphanet 44890, MedGen C0238198, MeSH D046152, MONDO:0011719, OMIM 606764, HP:0100723.
Ovarian cancer. Also called: OVARIAN CANCER, SOMATIC. Identifiers: Orphanet 213500, MedGen C1140680, MONDO:0008170, OMIM 167000.
Hereditary pheochromocytoma and paraganglioma. Also called: Hereditary paragangliomas and pheochromocytomas; Hereditary Paraganglioma-Pheochromocytoma Syndromes; Hereditary pheochromocytoma-paraganglioma. Identifiers: Orphanet 29072, MedGen C4274332, MONDO:0017366.
Malignant tumor of breast. Also called: Malignant breast neoplasm; Cancer breast. Identifiers: MedGen C0006142, MONDO:0007254. Disease mechanism: loss of function.

Allele frequency attached by ClinVar (database versions not stated): gnomAD 0.00004 and 0.00019; 1000 Genomes Project 0.00060; 1000 Genomes Project 30x 0.00062.

Submissions (16):

Labcorp Genetics (formerly Invitae), Labcorp
Classification: Likely benign for Pheochromocytoma/paraganglioma syndrome 3; Gastrointestinal stromal tumor. Last evaluated: 2026-01-31. Review status: criteria provided, single submitter. Criteria: Invitae Variant Classification Sherloc (09022015). Collection method: clinical testing. Allele origin: germline.

Center for Genomic Medicine, Rigshospitalet, Copenhagen University Hospital
Classification: Uncertain significance. Last evaluated: 2025-12-29. Review status: criteria provided, single submitter. Criteria: ACMG Guidelines, 2015. Collection method: clinical testing. Allele origin: germline.

PreventionGenetics, part of Exact Sciences
Classification: Likely benign for SDHC-related condition. Last evaluated: 2025-12-12. Review status: criteria provided, single submitter. Criteria: ACMG Guidelines, 2015. Collection method: clinical testing. Allele origin: germline.
Comment: This variant is classified as likely benign based on ACMG/AMP sequence variant interpretation guidelines (Richards et al. 2015 PMID: 25741868, with internal and published modifications).

CeGaT Center for Human Genetics Tuebingen
Classification: Likely benign. Last evaluated: 2025-05-01. Review status: criteria provided, single submitter. Criteria: CeGaT Center For Human Genetics Tuebingen Variant Classification Criteria Version 2. Collection method: clinical testing. Allele origin: germline. Affected: yes. Observed: 3 variant alleles.
Comment: SDHC: PP2, BS1

Myriad Genetics, Inc.
Classification: Likely benign for Pheochromocytoma/paraganglioma syndrome 3. Last evaluated: 2025-03-17. Review status: criteria provided, single submitter. Criteria: Myriad Autosomal Dominant, Autosomal Recessive and X-Linked Classification Criteria (2023). Collection method: clinical testing. Allele origin: unknown.
Comment: This variant is considered likely benign. This variant has been observed at a population frequency that is significantly greater than expected given the associated disease prevalence and penetrance.

Blueprint Genetics
Classification: Likely benign. Last evaluated: 2024-11-08. Review status: criteria provided, single submitter. Criteria: ACMG Guidelines, 2015. Collection method: clinical testing. Allele origin: germline.

Color Diagnostics, LLC DBA Color Health
Classification: Benign for Hereditary pheochromocytoma and paraganglioma. Last evaluated: 2023-02-21. Review status: criteria provided, single submitter. Criteria: ACMG Guidelines, 2015. Collection method: clinical testing. Allele origin: germline.

Laboratory of Molecular Epidemiology of Birth Defects, West China Second University Hospital, Sichuan University
Classification: Benign for Ovarian cancer. Last evaluated: 2022-01-01. Review status: criteria provided, single submitter. Criteria: ACMG Guidelines, 2015. Collection method: clinical testing. Allele origin: germline. Affected: yes.

Sema4
Classification: Benign for Hereditary cancer-predisposing syndrome. Last evaluated: 2021-08-18. Review status: criteria provided, single submitter. Criteria: Sema4 Curation Guidelines. Collection method: curation. Allele origin: germline.

Genetic Services Laboratory, University of Chicago
Classification: Benign. Last evaluated: 2021-04-26. Review status: criteria provided, single submitter. Criteria: ACMG Guidelines, 2015. Collection method: clinical testing. Allele origin: germline. Affected: no.

GeneDx
Classification: Likely benign. Last evaluated: 2021-04-05. Review status: criteria provided, single submitter. Criteria: GeneDx Variant Classification Process June 2021. Collection method: clinical testing. Allele origin: germline. Affected: yes.
Comment: This variant is associated with the following publications: (PMID: 30122538, 30256826, 24466223, 27153395, 23175444)

Illumina Laboratory Services, Illumina
Classification: Likely benign for Hereditary Paraganglioma-Pheochromocytoma Syndromes. Last evaluated: 2018-10-16. Review status: criteria provided, single submitter. Criteria: ICSL Variant Classification Criteria 13 December 2019. Collection method: clinical testing. Allele origin: germline.
Comment: This variant was observed as part of a predisposition screen in an ostensibly healthy population. A literature search was performed for the gene, cDNA change, and amino acid change (where applicable). Publications were found based on this search. The evidence from the literature, in combination with allele frequency data from public databases where available, was sufficient to determine this variant is unlikely to cause disease. Therefore, this variant is classified as likely benign.

Ambry Genetics
Classification: Likely benign for Hereditary cancer-predisposing syndrome. Last evaluated: 2018-06-05. Review status: criteria provided, single submitter. Criteria: Ambry Variant Classification Scheme 2023. Collection method: clinical testing. Allele origin: germline.

Quest Diagnostics Nichols Institute San Juan Capistrano
Classification: Uncertain significance. Last evaluated: 2016-12-31. Review status: criteria provided, single submitter. Criteria: Quest Diagnostics criteria. Collection method: clinical testing. Allele origin: germline.

Laboratory for Molecular Medicine, Mass General Brigham Personalized Medicine
Classification: Uncertain significance. Last evaluated: 2016-03-28. Review status: criteria provided, single submitter. Criteria: LMM Criteria. Collection method: clinical testing. Allele origin: germline.
Comment: Variant identified in a genome or exome case(s) and assessed due to predicted null impact of the variant or pathogenic assertions in the literature or databases. Disclaimer: This variant has not undergone full assessment. The following are preliminary notes: Found 2 papers, not enough evidence for path

Center of Medical Genetics and Primary Health Care
Classification: Likely benign for Breast Cancer. Review status: no assertion criteria provided. Collection method: clinical testing. Allele origin: germline. Affected: yes. Not counted in ClinVar's aggregate classification.

Literature cited by the submitters: PubMed 24466223 (cited by 4 submitters); PubMed 23175444 (cited by 4 submitters); PubMed 27153395 (cited by Illumina Laboratory Services, Illumina and Quest Diagnostics Nichols Institute San Juan Capistrano).

NM_003001.5(SDHC):c.490A>T (p.Met164Leu)

Gene: SDHC (succinate dehydrogenase complex subunit C; plus strand). Cytogenetic location: 1q23.3.
Variant type: single nucleotide variant.
Coding change: c.490A>T on transcript NM_003001.5 (MANE Select); coding-DNA position 490, A replaced by T.
Protein change: p.Met164Leu; replaces methionine 164 with leucine.
Molecular consequence: missense variant.
Genome position (GRCh38, 1-based): chr1:161,362,413, A>T. VCF-style: chr1-161362413-A-T. GRCh37 (hg19) VCF-style: chr1-161332203-A-T.
Other names: c.326A>T, p.Tyr109Phe (NM_001035511.3); c.388A>T, p.Met130Leu (NM_001035512.3); c.331A>T, p.Met111Leu (NM_001035513.3); c.224A>T, p.Tyr75Phe (NM_001278172.3); c.610A>T, p.Met204Leu (NM_001407115.1); c.433A>T, p.Met145Leu (NM_001407116.1); c.427A>T, p.Met143Leu (NM_001407117.1); c.382A>T, p.Met128Leu (NM_001407118.1); and 2 more; short protein forms M164L, Y109F, M130L, Y75F, M111L, M143L, M128L, M204L.
Identifiers: ClinVar variation 184146 (VCV000184146.81), dbSNP rs200375156, ClinGen allele CA016373.